The following is an entry in ClinVar:

NM_004006.3(DMD):c.3995A>G (p.Asp1332Gly)

Gene: DMD (dystrophin; minus strand). Cytogenetic location: Xp21.1.
Variant type: single nucleotide variant.
Coding change: c.3995A>G on transcript NM_004006.3 (MANE Select); coding-DNA position 3995, A replaced by G.
Protein change: p.Asp1332Gly; replaces aspartic acid 1332 with glycine.
Molecular consequence: missense variant.
Genome position (GRCh38, 1-based): chrX:32,438,317, T>C on the plus strand (A>G on the coding strand, the complement: DMD is on the minus strand). VCF-style: chrX-32438317-T-C. GRCh37 (hg19) VCF-style: chrX-32456434-T-C.
Other names: c.3971A>G, p.Asp1324Gly (NM_000109.4); c.3983A>G, p.Asp1328Gly (NM_004009.3); c.3626A>G, p.Asp1209Gly (NM_004010.3); short protein forms D1324G, D1332G, D1209G, D1328G.
Identifiers: ClinVar variation 2068501 (VCV002068501.1), dbSNP rs2524073061, ClinGen allele CA412669365.

ClinVar aggregate classification (germline): Uncertain significance (1 of 4 stars; one submission).

Conditions:
Duchenne muscular dystrophy (DMD). Also called: MUSCULAR DYSTROPHY, PSEUDOHYPERTROPHIC PROGRESSIVE, DUCHENNE TYPE; Duchenne Muscular Dystrophy (DMD). Identifiers: Orphanet 98896, MedGen C0013264, MONDO:0010679, OMIM 310200.

Allele frequency attached by ClinVar (database versions not stated): gnomAD exomes below 0.00001.
gnomAD v4.1: 1 of 1,211,182 alleles (0.000083%); highest among the groups gnomAD compares: Non-Finnish European, 0.00011%; no homozygotes.

Submission:

Labcorp Genetics (formerly Invitae), Labcorp
Classification: Uncertain significance for Duchenne muscular dystrophy. Last evaluated: 2022-03-18. Review status: criteria provided, single submitter. Criteria: Invitae Variant Classification Sherloc (09022015). Collection method: clinical testing. Allele origin: germline.
Comment: This sequence change replaces aspartic acid, which is acidic and polar, with glycine, which is neutral and non-polar, at codon 1332 of the DMD protein (p.Asp1332Gly). This variant is not present in population databases (gnomAD no frequency). This variant has not been reported in the literature in individuals affected with DMD-related conditions. Algorithms developed to predict the effect of missense changes on protein structure and function (SIFT, PolyPhen-2, Align-GVGD) all suggest that this variant is likely to be disruptive. In summary, the available evidence is currently insufficient to determine the role of this variant in disease. Therefore, it has been classified as a Variant of Uncertain Significance.